The following is an entry in ClinVar:

ClinVar aggregate classification (germline): Uncertain significance (1 of 4 stars; one submission).

Conditions:
Bardet-Biedl syndrome (BBS). Identifiers: Orphanet 110, MedGen C0752166, MONDO:0015229.

Submission:

Labcorp Genetics (formerly Invitae), Labcorp
Classification: Uncertain significance for Bardet-Biedl syndrome. Last evaluated: 2022-09-01. Review status: criteria provided, single submitter. Criteria: Invitae Variant Classification Sherloc (09022015). Collection method: clinical testing. Allele origin: germline.
Comment: In summary, the available evidence is currently insufficient to determine the role of this variant in disease. Therefore, it has been classified as a Variant of Uncertain Significance. Algorithms developed to predict the effect of missense changes on protein structure and function (SIFT, PolyPhen-2, Align-GVGD) all suggest that this variant is likely to be disruptive. This variant has not been reported in the literature in individuals affected with BBS1-related conditions. This variant is not present in population databases (gnomAD no frequency). This sequence change replaces leucine, which is neutral and non-polar, with proline, which is neutral and non-polar, at codon 229 of the BBS1 protein (p.Leu229Pro).

NM_024649.5(BBS1):c.686T>C (p.Leu229Pro)

Gene: BBS1 (Bardet-Biedl syndrome 1; plus strand). Cytogenetic location: 11q13.2.
Variant type: single nucleotide variant.
Coding change: c.686T>C on transcript NM_024649.5 (MANE Select); coding-DNA position 686, T replaced by C.
Protein change: p.Leu229Pro; replaces leucine 229 with proline.
Molecular consequence: missense variant.
Genome position (GRCh38, 1-based): chr11:66,519,711, T>C. VCF-style: chr11-66519711-T-C. GRCh37 (hg19) VCF-style: chr11-66287182-T-C.
Other names: short protein forms L229P.
Identifiers: ClinVar variation 2087369 (VCV002087369.4), dbSNP rs2495752814, ClinGen allele CA381458918.